The following is an entry in ClinVar:

NM_001385641.1(SAMD11):c.2310_2311del (p.Val771fs)

Gene: SAMD11 (sterile alpha motif domain containing 11; plus strand). Cytogenetic location: 1p36.33.
Variant type: Deletion.
Coding change: c.2310_2311del on transcript NM_001385641.1 (MANE Select); coding-DNA positions 2310 to 2311, 2 bases deleted (AG; older notation c.2310_2311delAG).
Protein change: p.Val771fs; shifts the reading frame from valine 771.
Molecular consequence: frameshift variant.
Genome position (GRCh38, 1-based): chr1:943,928-943,929, AG deleted; deleting any 2 consecutive bases within chr1:943,927-943,929 gives the same sequence; the c. name uses the placement nearest the transcript's 3' end. VCF-style (leftmost placement, unchanged base first): chr1-943926-CGA-C. GRCh37 (hg19) VCF-style: chr1-879306-CGA-C.
Other names: c.2313_2314del, p.Val772fs (NM_001385640.1); c.1821_1822del, p.Val608fs (NM_152486.4); short protein forms V608fs, V772fs, V771fs.
Identifiers: ClinVar variation 1482549 (VCV001482549.4), dbSNP rs1557612402, ClinGen allele CA520638340.

ClinVar aggregate classification (germline): Uncertain significance (1 of 4 stars; one submission).

Submission:

Labcorp Genetics (formerly Invitae), Labcorp
Classification: Uncertain significance. Last evaluated: 2022-07-12. Review status: criteria provided, single submitter. Criteria: Invitae Variant Classification Sherloc (09022015). Collection method: clinical testing. Allele origin: germline.
Comment: In summary, the available evidence is currently insufficient to determine the role of this variant in disease. Therefore, it has been classified as a Variant of Uncertain Significance. ClinVar contains an entry for this variant (Variation ID: 1482549). This variant has not been reported in the literature in individuals affected with SAMD11-related conditions. This variant is present in population databases (no rsID available, gnomAD 0.003%). This sequence change results in a frameshift in the SAMD11 gene (p.Val608Phefs*132). While this is not anticipated to result in nonsense mediated decay, it is expected to disrupt the last 74 amino acid(s) of the SAMD11 protein and extend the protein by 57 additional amino acid residues.